The following is an entry in ClinVar:

NM_000359.3(TGM1):c.817G>A (p.Gly273Arg)

Gene: TGM1 (transglutaminase 1; minus strand). Cytogenetic location: 14q12.
Variant type: single nucleotide variant.
Coding change: c.817G>A on transcript NM_000359.3 (MANE Select); coding-DNA position 817, G replaced by A.
Protein change: p.Gly273Arg; replaces glycine 273 with arginine.
Molecular consequence: missense variant.
Genome position (GRCh38, 1-based): chr14:24,259,999, C>T on the plus strand (G>A on the coding strand, the complement: TGM1 is on the minus strand). VCF-style: chr14-24259999-C-T. GRCh37 (hg19) VCF-style: chr14-24729205-C-T.
Other names: short protein forms G273R.
Identifiers: ClinVar variation 451173 (VCV000451173.5), dbSNP rs1555306238, ClinGen allele CA389270140.

ClinVar aggregate classification (germline): Likely pathogenic. Review status: criteria provided, multiple submitters, no conflicts (2 of 4 stars). 2 submissions from 2 submitters: Likely pathogenic (2). Last evaluated 2024-03-29.

Conditions:
Autosomal recessive congenital ichthyosis 1 (LI1). Also called: ICHTHYOSIS CONGENITA; ICHTHYOSIS CONGENITA II; LAMELLAR EXFOLIATION OF NEWBORN; COLLODION FETUS; DESQUAMATION OF NEWBORN; ICHTHYOSIS, CONGENITAL, AUTOSOMAL RECESSIVE 1, WITH BATHING SUIT DISTRIBUTION. Identifiers: MedGen C4551630, MONDO:0009441, OMIM 242300.

Allele frequency attached by ClinVar (database versions not stated): gnomAD exomes below 0.00001; TOPMed below 0.00001.

Submissions (2):

Genomic Medicine Center of Excellence, King Faisal Specialist Hospital and Research Centre
Classification: Likely pathogenic for Autosomal recessive congenital ichthyosis 1. Last evaluated: 2024-03-29. Review status: criteria provided, single submitter. Criteria: ACMG Guidelines, 2015. Collection method: clinical testing. Allele origin: germline.

GeneDx
Classification: Likely pathogenic. Last evaluated: 2022-09-02. Review status: criteria provided, single submitter. Criteria: GeneDx Variant Classification Process June 2021. Collection method: clinical testing. Allele origin: germline. Affected: yes.
Comment: Observed in the heterozygous state in a patient with Harlequin ichthyosis (HI) from the published literature; however, this patient also harbored multiple variants in the ABCA12 gene which is a known cause of HI (Auriti et al., 2020); Not observed at significant frequency in large population cohorts (gnomAD); In silico analysis supports that this missense variant has a deleterious effect on protein structure/function and may also impact gene splicing; however, in the absence of RNA/functional studies, the actual effect of this sequence change is unknown; This variant is associated with the following publications: (PMID: 16968736, 32293521)